The following is an entry in ClinVar:

ClinVar aggregate classification (germline): Uncertain significance (1 of 4 stars; one submission).

Conditions:
Combined immunodeficiency due to STIM1 deficiency. Also called: IMMUNODEFICIENCY 10; STIM1 DEFICIENCY. Identifiers: Orphanet 169090, Orphanet 317430, MedGen C2748557, MONDO:0013008, OMIM 612783.
Myopathy with tubular aggregates (TAM). Also called: Tubular Aggregate Myopathy. Identifiers: Orphanet 2593, MedGen C0410207, MONDO:0008051.
Stormorken syndrome (STRMK). Also called: THROMBOCYTOPATHY, ASPLENIA, AND MIOSIS. Identifiers: Orphanet 3204, MedGen C1861451, MONDO:0008497, OMIM 185070.

gnomAD v4.1: 1 of 1,614,100 alleles (0.000062%); highest among the groups gnomAD compares: Non-Finnish European, 0.000085%; no homozygotes.

Submission:

Labcorp Genetics (formerly Invitae), Labcorp
Classification: Uncertain significance for Myopathy with tubular aggregates; Combined immunodeficiency due to STIM1 deficiency; Stormorken syndrome. Last evaluated: 2025-03-31. Review status: criteria provided, single submitter. Criteria: Invitae Variant Classification Sherloc (09022015). Collection method: clinical testing. Allele origin: germline.
Comment: This sequence change replaces lysine, which is basic and polar, with asparagine, which is neutral and polar, at codon 246 of the STIM1 protein (p.Lys246Asn). This variant is not present in population databases (gnomAD no frequency). This variant has not been reported in the literature in individuals affected with STIM1-related conditions. ClinVar contains an entry for this variant (Variation ID: 963293). Invitae Evidence Modeling of protein sequence and biophysical properties (such as structural, functional, and spatial information, amino acid conservation, physicochemical variation, residue mobility, and thermodynamic stability) has been performed for this missense variant. However, the output from this modeling did not meet the statistical confidence thresholds required to predict the impact of this variant on STIM1 protein function. In summary, the available evidence is currently insufficient to determine the role of this variant in disease. Therefore, it has been classified as a Variant of Uncertain Significance.

NM_001382567.1(STIM1):c.738G>C (p.Lys246Asn)

Gene: STIM1 (stromal interaction molecule 1; plus strand). Cytogenetic location: 11p15.4.
Variant type: single nucleotide variant.
Coding change: c.738G>C on transcript NM_001382567.1 (MANE Select); coding-DNA position 738, G replaced by C.
Protein change: p.Lys246Asn; replaces lysine 246 with asparagine.
Molecular consequence: missense variant. On other transcripts: non-coding transcript variant (2).
Genome position (GRCh38, 1-based): chr11:4,070,150, G>C. VCF-style: chr11-4070150-G-C. GRCh37 (hg19) VCF-style: chr11-4091380-G-C.
Other names: c.738G>C, p.Lys246Asn (NM_001277961.3, NM_001277962.2, NM_001382568.1 and 2 more transcripts); c.516G>C, p.Lys172Asn (NM_001382566.1, NM_001382573.1, NM_001382574.1 and 5 more transcripts); c.603G>C, p.Lys201Asn (NM_001382569.1); c.510G>C, p.Lys170Asn (NM_001382570.1); c.258G>C, p.Lys86Asn (NM_001382571.1); c.249G>C, p.Lys83Asn (NM_001382580.1, NM_001382581.1); short protein forms K83N, K86N, K246N, K201N, K170N, K172N.
Identifiers: ClinVar variation 963293 (VCV000963293.10), dbSNP rs536528954, ClinGen allele CA379189023.
Genomic context (GRCh38, chr11:4,070,150, plus strand): 5'-CTGCTGGTTTGCCTATATCCAGAACCGTTACTCCAAGGAGCACATGAAGAAGATGATGAA[G>C]GACTTGGAGGGGTTACACCGAGCTGAGCAGAGTCTGCATGACCTTCAGGAAAGGTAAGGC-3'
Protein context (NP_001369496.1, residues 236-256): YSKEHMKKMM[Lys246Asn]DLEGLHRAEQ